The following is an entry in ClinVar:

ClinVar aggregate classification (germline): Pathogenic (1 of 4 stars; one submission).

Conditions:
Progressive myoclonic epilepsy. Also called: Familial progressive myoclonic epilepsy; Myoclonic Epilepsies, Progressive; Myoclonus epilepsy; Progressive myoclonus epilepsy. Identifiers: Orphanet 308, Orphanet 98261, MedGen C0751778, MONDO:0020074.

Submission:

Labcorp Genetics (formerly Invitae), Labcorp
Classification: Pathogenic for Progressive myoclonic epilepsy. Last evaluated: 2022-12-25. Review status: criteria provided, single submitter. Criteria: Invitae Variant Classification Sherloc (09022015). Collection method: clinical testing. Allele origin: germline.
Comment: For these reasons, this variant has been classified as Pathogenic. The region of the EPM2A gene that includes exon(s) 3 has been determined to be clinically significant (PMID: 18311786). Therefore, deletions that encompass that region are likely to be disease-causing. A similar copy number variant has been observed in individual(s) with Lafora disease (PMID: 20738377). This variant is a gross deletion of the genomic region encompassing exon(s) 3-4 of the EPM2A gene, which includes the termination codon. This deletion extends beyond the assayed region for this gene and therefore may encompass additional genes. While this deletion is not anticipated to lead to nonsense mediated decay, it is expected to alter mRNA translation or result in a truncated protein product.

Literature cited by the submitters: PubMed 18311786; PubMed 20738377.

NC_000006.11:g.(?_145948552)_(145956642_?)del

Gene: EPM2A (EPM2A glucan phosphatase, laforin; minus strand). Cytogenetic location: 6q24.3.
Variant type: Deletion.
Identifiers: ClinVar variation 1459452 (VCV001459452.5).